The following is an entry in ClinVar:

ClinVar aggregate classification (germline): Benign/Likely benign. Review status: criteria provided, multiple submitters, no conflicts (2 of 4 stars). 6 submissions from 6 submitters: Benign (4); Likely benign (2). Last evaluated 2026-02-04.

Conditions:
MEGF10-related myopathy (CMYO10A). Also called: Congenital myopathy 10A, severe variant. Identifiers: Orphanet 439212, MedGen C3280679, MONDO:0013731, OMIM 614399.

Allele frequency attached by ClinVar (database versions not stated): ExAC 0.02856; TOPMed 0.03427; 1000 Genomes Project 30x 0.03326; gnomAD 0.03259 and 0.03315; 1000 Genomes Project 0.03494; ESP Exome Variant Server 0.03560.
gnomAD v4.1: 51,601 of 1,613,852 alleles (3.2%); highest among the groups gnomAD compares: African/African-American, 4%; 914 homozygotes.

Submissions (6):

Labcorp Genetics (formerly Invitae), Labcorp
Classification: Benign for MEGF10-related myopathy. Last evaluated: 2026-02-04. Review status: criteria provided, single submitter. Criteria: Invitae Variant Classification Sherloc (09022015). Collection method: clinical testing. Allele origin: germline.

Mayo Clinic Laboratories, Mayo Clinic
Classification: Benign. Last evaluated: 2023-06-21. Review status: criteria provided, single submitter. Criteria: ACMG Guidelines, 2015. Collection method: clinical testing. Allele origin: germline. Observed: 34 variant alleles.

Illumina Laboratory Services, Illumina
Classification: Likely benign for MEGF10-related myopathy. Last evaluated: 2018-01-12. Review status: criteria provided, single submitter. Criteria: ICSL Variant Classification Criteria 13 December 2019. Collection method: clinical testing. Allele origin: germline.
Comment: This variant was observed in the ICSL laboratory as part of a predisposition screen in an ostensibly healthy population. It had not been previously curated by ICSL or reported in the Human Gene Mutation Database (HGMD: prior to June 1st, 2018), and was therefore a candidate for classification through an automated scoring system. Utilizing variant allele frequency, disease prevalence and penetrance estimates, and inheritance mode, an automated score was calculated to assess if this variant is too frequent to cause the disease. Based on the score and internal cut-off values, a variant classified as likely benign is not then subjected to further curation. The score for this variant resulted in a classification of likely benign for this disease.

GeneDx
Classification: Benign. Last evaluated: 2016-01-28. Review status: criteria provided, single submitter. Criteria: GeneDx Variant Classification (06012015). Collection method: clinical testing. Allele origin: germline. Affected: yes.
Comment: This variant is considered likely benign or benign based on one or more of the following criteria: it is a conservative change, it occurs at a poorly conserved position in the protein, it is predicted to be benign by multiple in silico algorithms, and/or has population frequency not consistent with disease.

Breakthrough Genomics
Classification: Likely benign. Review status: criteria provided, single submitter. Criteria: ACMG Guidelines, 2015. Collection method: not provided. Allele origin: germline. Inheritance: Autosomal recessive inheritance. Affected: yes.

PreventionGenetics, part of Exact Sciences
Classification: Benign. Review status: criteria provided, single submitter. Criteria: ACMG Guidelines, 2015. Collection method: clinical testing. Allele origin: germline.

NM_001256545.2(MEGF10):c.3162G>A (p.Pro1054=)

Gene: MEGF10 (multiple EGF like domains 10; plus strand). Cytogenetic location: 5q23.2.
Variant type: single nucleotide variant.
Coding change: c.3162G>A on transcript NM_001256545.2 (MANE Select); coding-DNA position 3162, G replaced by A.
Protein change: p.Pro1054=; no amino-acid change (proline 1054 retained).
Molecular consequence: synonymous variant.
Genome position (GRCh38, 1-based): chr5:127,455,537, G>A. VCF-style: chr5-127455537-G-A. GRCh37 (hg19) VCF-style: chr5-126791229-G-A.
Other names: p.Pro1054=; c.3162G>A, p.Pro1054= (NM_032446.3).
Identifiers: ClinVar variation 262074 (VCV000262074.23), dbSNP rs17164938, ClinGen allele CA3392149.